The following is an entry in ClinVar:

ClinVar aggregate classification (germline): Uncertain significance (1 of 4 stars; one submission).

gnomAD v4.1: 1 of 1,587,766 alleles (0.000063%); highest among the groups gnomAD compares: East Asian, 0.0022%; no homozygotes.

Submission:

Labcorp Genetics (formerly Invitae), Labcorp
Classification: Uncertain significance. Last evaluated: 2024-06-29. Review status: criteria provided, single submitter. Criteria: Invitae Variant Classification Sherloc (09022015). Collection method: clinical testing. Allele origin: germline.
Comment: This sequence change affects codon 703 of the MAGEL2 mRNA. It is a 'silent' change, meaning that it does not change the encoded amino acid sequence of the MAGEL2 protein. This variant is not present in population databases (gnomAD no frequency). This variant has not been reported in the literature in individuals affected with MAGEL2-related conditions. In summary, the available evidence is currently insufficient to determine the role of this variant in disease. Therefore, it has been classified as a Variant of Uncertain Significance.

NM_019066.5(MAGEL2):c.2109G>A (p.Ala703=)

Gene: MAGEL2 (MAGE family member L2; minus strand). Cytogenetic location: 15q11.2.
Variant type: single nucleotide variant.
Coding change: c.2109G>A on transcript NM_019066.5 (MANE Select); coding-DNA position 2109, G replaced by A.
Protein change: p.Ala703=; no amino-acid change (alanine 703 retained).
Molecular consequence: synonymous variant.
Genome position (GRCh38, 1-based): chr15:23,645,634, C>T on the plus strand (G>A on the coding strand, the complement: MAGEL2 is on the minus strand). VCF-style: chr15-23645634-C-T. GRCh37 (hg19) VCF-style: chr15-23890781-C-T.
Identifiers: ClinVar variation 3658239 (VCV003658239.2).